The following is an entry in ClinVar:

NM_152384.3(BBS5):c.303dup (p.Asn102Ter)

Gene: BBS5 (Bardet-Biedl syndrome 5; plus strand). Cytogenetic location: 2q31.1.
Variant type: Duplication.
Coding change: c.303dup on transcript NM_152384.3 (MANE Select); coding-DNA position 303, one base duplicated (T; older notation c.303dupT).
Protein change: p.Asn102Ter; replaces asparagine 102 with a stop codon.
Molecular consequence: nonsense.
Genome position (GRCh38, 1-based): chr2:169,488,031, T duplicated. VCF-style (leftmost placement, unchanged base first): chr2-169488030-G-GT. GRCh37 (hg19) VCF-style: chr2-170344540-G-GT.
Other names: short protein forms N102*.
Identifiers: ClinVar variation 956784 (VCV000956784.11), dbSNP rs1683515617, ClinGen allele CA429922463.

ClinVar aggregate classification (germline): Pathogenic/Likely pathogenic. Review status: criteria provided, multiple submitters, no conflicts (2 of 4 stars). 4 submissions from 4 submitters: Pathogenic (2); Likely pathogenic (2). Last evaluated 2026-01-25.

Conditions:
Bardet-Biedl syndrome (BBS). Identifiers: Orphanet 110, MedGen C0752166, MONDO:0015229.
Bardet-Biedl syndrome 5 (BBS5). Identifiers: Orphanet 110, MedGen C3892039, MONDO:0014434, OMIM 615983.

Submissions (4):

Labcorp Genetics (formerly Invitae), Labcorp
Classification: Pathogenic for Bardet-Biedl syndrome. Last evaluated: 2026-01-25. Review status: criteria provided, single submitter. Criteria: Invitae Variant Classification Sherloc (09022015). Collection method: clinical testing. Allele origin: germline.
Comment: This sequence change creates a premature translational stop signal (p.Asn102*) in the BBS5 gene. It is expected to result in an absent or disrupted protein product. Loss-of-function variants in BBS5 are known to be pathogenic (PMID: 15137946, 16877420, 26325687, 27708425, 28041643, 29806606). This variant is not present in population databases (gnomAD no frequency). This variant has not been reported in the literature in individuals affected with BBS5-related conditions. ClinVar contains an entry for this variant (Variation ID: 956784). Algorithms developed to predict the effect of sequence changes on RNA splicing suggest that this variant may disrupt the consensus splice site. For these reasons, this variant has been classified as Pathogenic.

Baylor Genetics
Classification: Pathogenic for Bardet-Biedl syndrome 5. Last evaluated: 2023-12-04. Review status: criteria provided, single submitter. Criteria: ACMG Guidelines, 2015. Collection method: clinical testing. Allele origin: unknown.

Fulgent Genetics
Classification: Likely pathogenic for Bardet-Biedl syndrome 5. Last evaluated: 2022-05-18. Review status: criteria provided, single submitter. Criteria: ACMG Guidelines, 2015. Collection method: clinical testing. Allele origin: unknown.

Juno Genomics, Hangzhou Juno Genomics, Inc
Classification: Likely pathogenic for Bardet-Biedl syndrome 5. Review status: criteria provided, single submitter. Criteria: ACMG Guidelines, 2015. Collection method: clinical testing. Allele origin: germline.
Comment: Null variant in a gene where loss of function (LOF) is a known mechanism of disease.;Absent from controls (or at extremely low frequency if recessive) in Genome Aggregation Database.

Literature cited by the submitters: PubMed 15137946 (cited by Labcorp Genetics (formerly Invitae), Labcorp); PubMed 16877420 (cited by Labcorp Genetics (formerly Invitae), Labcorp); PubMed 26325687 (cited by Labcorp Genetics (formerly Invitae), Labcorp); PubMed 27708425 (cited by Labcorp Genetics (formerly Invitae), Labcorp); PubMed 28041643 (cited by Labcorp Genetics (formerly Invitae), Labcorp); PubMed 29806606 (cited by Labcorp Genetics (formerly Invitae), Labcorp).